The following is an entry in ClinVar:

NM_004333.6(BRAF):c.121C>T (p.Pro41Ser)

Gene: BRAF (B-Raf proto-oncogene, serine/threonine kinase; minus strand). Cytogenetic location: 7q34.
Variant type: single nucleotide variant.
Coding change: c.121C>T on transcript NM_004333.6 (MANE Select); coding-DNA position 121, C replaced by T.
Protein change: p.Pro41Ser; replaces proline 41 with serine.
Molecular consequence: missense variant.
Genome position (GRCh38, 1-based): chr7:140,924,583, G>A on the plus strand (C>T on the coding strand, the complement: BRAF is on the minus strand). VCF-style: chr7-140924583-G-A. GRCh37 (hg19) VCF-style: chr7-140624383-G-A.
Other names: c.121C>T, p.Pro41Ser (NM_001354609.2, NM_001374244.1, NM_001374258.1 and 7 more transcripts); short protein forms P41S.
Identifiers: ClinVar variation 2504008 (VCV002504008.2), dbSNP rs1389368234, ClinGen allele CA369590062.
Genomic context (GRCh38, chr7:140,924,583, plus strand): 5'-GAGCCCGGAGTCGGGAGGGCGGCAGGGTGGCGCCAGCACTCACCTCCTCCGGAATGGCAG[G>A]GTCCGCAGCCGAAGAGGCCGCGGCGCCGGCGCCGGCGCCGGCCTCGGGCTCCATGTCCCC-3'
Protein context (NP_004324.2, residues 31-51): AGAAASSAAD[Pro41Ser]AIPEEVWNIK

ClinVar aggregate classification (germline): Uncertain significance. Review status: criteria provided, multiple submitters, no conflicts (2 of 4 stars). 2 submissions from 2 submitters: Uncertain significance (2). Last evaluated 2025-07-15.

Conditions:
RASopathy. Also called: rasopathies; Noonan spectrum disorder. Identifiers: Orphanet 536391, MedGen C5555857, MONDO:0021060.

Allele frequency attached by ClinVar (database versions not stated): TOPMed below 0.00001; gnomAD 0.00001.

Submissions (2):

Labcorp Genetics (formerly Invitae), Labcorp
Classification: Uncertain significance for RASopathy. Last evaluated: 2025-07-15. Review status: criteria provided, single submitter. Criteria: Invitae Variant Classification Sherloc (09022015). Collection method: clinical testing. Allele origin: germline.
Comment: This sequence change replaces proline, which is neutral and non-polar, with serine, which is neutral and polar, at codon 41 of the BRAF protein (p.Pro41Ser). This variant is not present in population databases (gnomAD no frequency). This variant has not been reported in the literature in individuals affected with BRAF-related conditions. ClinVar contains an entry for this variant (Variation ID: 2504008). Invitae Evidence Modeling of protein sequence and biophysical properties (such as structural, functional, and spatial information, amino acid conservation, physicochemical variation, residue mobility, and thermodynamic stability) indicates that this missense variant is not expected to disrupt BRAF protein function with a negative predictive value of 95%. In summary, the available evidence is currently insufficient to determine the role of this variant in disease. Therefore, it has been classified as a Variant of Uncertain Significance.

Women's Health and Genetics/Laboratory Corporation of America, LabCorp
Classification: Uncertain significance. Last evaluated: 2023-04-24. Review status: criteria provided, single submitter. Criteria: LabCorp Variant Classification Summary - May 2015. Collection method: clinical testing. Allele origin: germline.
Comment: Variant summary: BRAF c.121C>T (p.Pro41Ser) results in a non-conservative amino acid change in the encoded protein sequence. Three of five in-silico tools predict a damaging effect of the variant on protein function. The variant was absent in 128054 control chromosomes (gnomAD). The available data on variant occurrences in the general population are insufficient to allow any conclusion about variant significance. To our knowledge, no occurrence of c.121C>T in individuals affected with Cardiofaciocutaneous Syndrome and no experimental evidence demonstrating its impact on protein function have been reported. No clinical diagnostic laboratories have submitted clinical-significance assessments for this variant to ClinVar after 2014. Based on the evidence outlined above, the variant was classified as uncertain significance.